The following is an entry in ClinVar:

ClinVar aggregate classification (germline): Pathogenic (1 of 4 stars; one submission).

Conditions:
Usher syndrome type 1D (USH1D). Also called: USHER SYNDROME, TYPE ID. Identifiers: Orphanet 231169, Orphanet 886, MedGen C1832845, MONDO:0010984, OMIM 601067.

Submission:

3billion
Classification: Pathogenic for Usher syndrome type 1D. Last evaluated: 2024-06-28. Review status: criteria provided, single submitter. Criteria: ACMG Guidelines, 2015. Collection method: clinical testing. Allele origin: germline. Affected: yes.
Comment: The variant is not observed in the gnomAD v4.0.0 dataset. Predicted Consequence/Location: Canonical splice site: predicted to alter splicing and result in a loss or disruption of normal protein function. Multiple pathogenic loss-of-function variants are reported downstream of the variant. The variant has been reported to be associated with CDH23 related disorder (ClinVar ID: VCV001687244). Therefore, this variant is classified as Pathogenic according to the recommendation of ACMG/AMP guideline.

NM_022124.6(CDH23):c.3431-1G>A

Genes: C10orf105 (chromosome 10 open reading frame 105; minus strand), CDH23 (cadherin related 23; plus strand). Cytogenetic location: 10q22.1.
Variant type: single nucleotide variant.
Coding change: c.3431-1G>A on transcript NM_022124.6 (MANE Select); the canonical splice acceptor site of the intron before coding-DNA position 3431, G replaced by A.
Molecular consequence: splice acceptor variant. On other transcripts: intron variant (1).
Genome position (GRCh38, 1-based): chr10:71,725,371, G>A. VCF-style: chr10-71725371-G-A. GRCh37 (hg19) VCF-style: chr10-73485128-G-A.
Other names: c.3431-1G>A (NM_001171930.2); c.-5-9029C>T (NM_001168390.2).
Identifiers: ClinVar variation 1687244 (VCV001687244.3), dbSNP rs2132804878, ClinGen allele CA377151917.
Genomic context (GRCh38, chr10:71,725,371, plus strand): 5'-CAGCACAGCAGGAGACTTCTGGGCAGGGCCGGTGTTCCAGGGGGTCTGTCCCTCCACACA[G>A]GTAACCATGGCAACAACTTCCGGATCCATGTCAGCAATGGGCTCCTGATGCGAGGGCCCC-3'